The following is an entry in ClinVar:

ClinVar aggregate classification (germline): Uncertain significance. Review status: criteria provided, multiple submitters, no conflicts (2 of 4 stars). 8 submissions from 8 submitters: Uncertain significance (8). Last evaluated 2025-11-03.

Conditions:
RYR1-related disorder. Also called: RYR1-related disorders; RYR1-related condition. Identifiers: MedGen CN239331.
Malignant hyperthermia, susceptibility to, 1 (MHS1). Also called: Malignant hyperthermia suceptibility 1; Anesthesia related hyperthermia; Malignant hyperpyrexia; Fulminating hyperpyrexia; Pharmacogenic myopathy; RYR1-Related Malignant Hyperthermia Susceptibility. Identifiers: Orphanet 423, MedGen C2930980, MONDO:0007783, OMIM 145600.
Central core myopathy (CMYO1A). Also called: CONGENITAL MYOPATHY 1A, AUTOSOMAL DOMINANT, WITH SUSCEPTIBILITY TO MALIGNANT HYPERTHERMIA; Central core disease; Myopathy, central fibrillar. Identifiers: Orphanet 597, MedGen C5830701, MONDO:0007294, OMIM 117000.
Congenital multicore myopathy with external ophthalmoplegia (CMYO1B). Also called: MULTIMINICORE DISEASE WITH EXTERNAL OPHTHALMOPLEGIA; Minicore myopathy; Congenital myopathy 1B, autosomal recessive; MULTICORE MYOPATHY; Minicore myopathy with external ophthalmoplegia. Identifiers: Orphanet 598, Orphanet 98905, MedGen C1850674, MONDO:0009712, OMIM 255320, HP:0003789.
Congenital myopathy with fiber type disproportion. Also called: Congenital fiber-type disproportion myopathy; Congenital fiber-type disproportion. Identifiers: Orphanet 2020, MedGen C0546264, MONDO:0009711. Inheritance: all.
King Denborough syndrome (KDS). Identifiers: MedGen C1840365, MONDO:0020485, OMIM 619542.
Inborn genetic diseases. Identifiers: MedGen C0950123, MeSH D030342.

Allele frequency attached by ClinVar (database versions not stated): gnomAD exomes 0.00005; gnomAD 0.00014; TOPMed 0.00015; ExAC 0.00016; ESP Exome Variant Server 0.00016; 1000 Genomes Project 30x 0.00031; 1000 Genomes Project 0.00040.
gnomAD v4.1: 48 of 1,562,738 alleles (0.0031%); highest among the groups gnomAD compares: African/African-American, 0.034%; 1 homozygote.

Submissions (8):

Labcorp Genetics (formerly Invitae), Labcorp
Classification: Uncertain significance for RYR1-related disorder. Last evaluated: 2025-11-03. Review status: criteria provided, single submitter. Criteria: Invitae Variant Classification Sherloc (09022015). Collection method: clinical testing. Allele origin: germline.
Comment: This sequence change replaces glutamic acid, which is acidic and polar, with lysine, which is basic and polar, at codon 3212 of the RYR1 protein (p.Glu3212Lys). This variant is present in population databases (rs185371036, gnomAD 0.04%). This variant has not been reported in the literature in individuals affected with RYR1-related conditions. ClinVar contains an entry for this variant (Variation ID: 478301). Invitae Evidence Modeling of protein sequence and biophysical properties (such as structural, functional, and spatial information, amino acid conservation, physicochemical variation, residue mobility, and thermodynamic stability) indicates that this missense variant is not expected to disrupt RYR1 protein function with a negative predictive value of 80%. In summary, the available evidence is currently insufficient to determine the role of this variant in disease. Therefore, it has been classified as a Variant of Uncertain Significance.

GeneDx
Classification: Uncertain significance. Last evaluated: 2024-03-28. Review status: criteria provided, single submitter. Criteria: GeneDx Variant Classification Process June 2021. Collection method: clinical testing. Allele origin: germline. Affected: yes.
Comment: In silico analysis supports that this missense variant does not alter protein structure/function; Has not been previously published as pathogenic or benign to our knowledge; This variant is associated with the following publications: (PMID: 12668474)

Color Diagnostics, LLC DBA Color Health
Classification: Uncertain significance for Malignant hyperthermia, susceptibility to, 1. Last evaluated: 2023-12-06. Review status: criteria provided, single submitter. Criteria: ACMG Guidelines, 2015. Collection method: clinical testing. Allele origin: germline.
Comment: This missense variant replaces glutamic acid with lysine at codon 3212 of the RYR1 protein. Computational prediction suggests that this variant may not impact protein structure and function. To our knowledge, functional studies have not been reported for this variant. This variant has not been reported in individuals affected with RYR1-related disorders in the literature. This variant has been identified in 13/203144 chromosomes in the general population by the Genome Aggregation Database (gnomAD). The available evidence is insufficient to determine the role of this variant in disease conclusively. Therefore, this variant is classified as a Variant of Uncertain Significance.

Ambry Genetics
Classification: Uncertain significance for Inborn genetic diseases. Last evaluated: 2023-03-07. Review status: criteria provided, single submitter. Criteria: Ambry Variant Classification Scheme 2023. Collection method: clinical testing. Allele origin: germline.

Blueprint Genetics
Classification: Uncertain significance. Last evaluated: 2022-10-22. Review status: criteria provided, single submitter. Criteria: ACMG Guidelines, 2015. Collection method: clinical testing. Allele origin: germline.

Fulgent Genetics
Classification: Uncertain significance for Central core myopathy; Malignant hyperthermia, susceptibility to, 1; Congenital myopathy 4A, autosomal dominant; Congenital multicore myopathy with external ophthalmoplegia; King Denborough syndrome. Last evaluated: 2021-08-11. Review status: criteria provided, single submitter. Criteria: ACMG Guidelines, 2015. Collection method: clinical testing. Allele origin: unknown.

Revvity Omics, Revvity
Classification: Uncertain significance. Last evaluated: 2020-03-09. Review status: criteria provided, single submitter. Criteria: ACMG Guidelines, 2015. Collection method: clinical testing. Allele origin: germline.

Mayo Clinic Laboratories, Mayo Clinic
Classification: Uncertain significance. Last evaluated: 2019-07-22. Review status: criteria provided, single submitter. Criteria: ACMG Guidelines, 2015. Collection method: clinical testing. Allele origin: germline. Observed: 1 variant allele.

NM_000540.3(RYR1):c.9634G>A (p.Glu3212Lys)

Gene: RYR1 (ryanodine receptor 1; plus strand). Cytogenetic location: 19q13.2.
Variant type: single nucleotide variant.
Coding change: c.9634G>A on transcript NM_000540.3 (MANE Select); coding-DNA position 9634, G replaced by A.
Protein change: p.Glu3212Lys; replaces glutamic acid 3212 with lysine.
Molecular consequence: missense variant.
Genome position (GRCh38, 1-based): chr19:38,516,166, G>A. VCF-style: chr19-38516166-G-A. GRCh37 (hg19) VCF-style: chr19-39006806-G-A.
Other names: c.9634G>A, p.Glu3212Lys (NM_001042723.2); short protein forms E3212K.
Identifiers: ClinVar variation 478301 (VCV000478301.21), dbSNP rs185371036, ClinGen allele CA073908.